The following is an entry in ClinVar:

ClinVar aggregate classification (germline): Uncertain significance (1 of 4 stars; one submission).

Allele frequency attached by ClinVar (database versions not stated): gnomAD 0.00001.
gnomAD v4.1: 1 of 1,613,144 alleles (0.000062%); highest among the groups gnomAD compares: East Asian, 0.0022%; no homozygotes.

Submission:

Ambry Genetics
Classification: Uncertain significance. Last evaluated: 2024-07-21. Review status: criteria provided, single submitter. Criteria: Ambry Variant Classification Scheme 2023. Collection method: clinical testing. Allele origin: germline.
Comment: The p.I849V variant (also known as c.2545A>G), located in coding exon 24 of the KIF1B gene, results from an A to G substitution at nucleotide position 2545. The isoleucine at codon 849 is replaced by valine, an amino acid with highly similar properties. This amino acid position is highly conserved in available vertebrate species. In addition, the in silico prediction for this alteration is inconclusive. Since supporting evidence is limited at this time, the clinical significance of this alteration remains unclear.

NM_001365951.3(KIF1B):c.2683A>G (p.Ile895Val)

Genes: KIF1B (kinesin family member 1B; plus strand), LOC126805614 (BRD4-independent group 4 enhancer GRCh37_chr1:10385546-10386745; plus strand). Cytogenetic location: 1p36.22.
Variant type: single nucleotide variant.
Coding change: c.2683A>G on transcript NM_001365951.3 (MANE Select); coding-DNA position 2683, A replaced by G.
Protein change: p.Ile895Val; replaces isoleucine 895 with valine.
Molecular consequence: missense variant.
Genome position (GRCh38, 1-based): chr1:10,326,118, A>G. VCF-style: chr1-10326118-A-G. GRCh37 (hg19) VCF-style: chr1-10386176-A-G.
Other names: c.2683A>G, p.Ile895Val (NM_001365952.1); c.2545A>G, p.Ile849Val (NM_015074.3); short protein forms I895V, I849V.
Identifiers: ClinVar variation 1792874 (VCV001792874.3), dbSNP rs1651712318, ClinGen allele CA338336739.